The following is an entry in ClinVar:

ClinVar aggregate classification (germline): Uncertain significance (1 of 4 stars; one submission).

Conditions:
Cornelia de Lange syndrome 4 (CDLS4). Also called: RAD21-Related Cornelia de Lange Syndrome; CORNELIA DE LANGE SYNDROME 4 WITH OR WITHOUT MIDLINE BRAIN DEFECTS. Identifiers: Orphanet 199, MedGen C3553517, MONDO:0013864, OMIM 614701.

Submission:

Labcorp Genetics (formerly Invitae), Labcorp
Classification: Uncertain significance for Cornelia de Lange syndrome 4. Last evaluated: 2022-06-15. Review status: criteria provided, single submitter. Criteria: Invitae Variant Classification Sherloc (09022015). Collection method: clinical testing. Allele origin: germline.
Comment: In summary, the available evidence is currently insufficient to determine the role of this variant in disease. Therefore, it has been classified as a Variant of Uncertain Significance. Algorithms developed to predict the effect of missense changes on protein structure and function are either unavailable or do not agree on the potential impact of this missense change (SIFT: "Deleterious"; PolyPhen-2: "Benign"; Align-GVGD: "Class C0"). This variant has not been reported in the literature in individuals affected with RAD21-related conditions. This variant is not present in population databases (gnomAD no frequency). This sequence change replaces alanine, which is neutral and non-polar, with valine, which is neutral and non-polar, at codon 377 of the RAD21 protein (p.Ala377Val).

NM_006265.3(RAD21):c.1130C>T (p.Ala377Val)

Gene: RAD21 (RAD21 cohesin complex component; minus strand). Cytogenetic location: 8q24.11.
Variant type: single nucleotide variant.
Coding change: c.1130C>T on transcript NM_006265.3 (MANE Select); coding-DNA position 1130, C replaced by T.
Protein change: p.Ala377Val; replaces alanine 377 with valine.
Molecular consequence: missense variant.
Genome position (GRCh38, 1-based): chr8:116,854,276, G>A on the plus strand (C>T on the coding strand, the complement: RAD21 is on the minus strand). VCF-style: chr8-116854276-G-A. GRCh37 (hg19) VCF-style: chr8-117866515-G-A.
Other names: short protein forms A377V.
Identifiers: ClinVar variation 2004362 (VCV002004362.4), dbSNP rs2537292838, ClinGen allele CA372000683.